The following is an entry in ClinVar:

ClinVar aggregate classification (germline): Uncertain significance. Review status: criteria provided, multiple submitters, no conflicts (2 of 4 stars). 4 submissions from 4 submitters: Uncertain significance (4). Last evaluated 2025-12-17.

Conditions:
Inborn genetic diseases. Identifiers: MedGen C0950123, MeSH D030342.
Epidermolysis bullosa simplex with nail dystrophy (EBS5D). Identifiers: MedGen C4225309, MONDO:0014661, OMIM 616487.
Autosomal recessive limb-girdle muscular dystrophy type 2Q (LGMDR17). Also called: MUSCULAR DYSTROPHY, LIMB-GIRDLE, AUTOSOMAL RECESSIVE 17. Identifiers: Orphanet 254361, MedGen C3150989, MONDO:0013390, OMIM 613723.
Epidermolysis bullosa simplex 5B, with muscular dystrophy (EBS5B). Also called: EPIDERMOLYSIS BULLOSA SIMPLEX AND LIMB-GIRDLE MUSCULAR DYSTROPHY; Epidermolysis bullosa simplex with muscular dystrophy. Identifiers: Orphanet 257, MedGen C2931072, MONDO:0009181, OMIM 226670.
Epidermolysis bullosa simplex, Ogna type (EBS5A). Also called: Pidermolysis bullosa simplex 5A, Ogna type; EPIDERMOLYSIS BULLOSA SIMPLEX 5A, OGNA TYPE. Identifiers: Orphanet 79401, MedGen C0432317, MONDO:0007555, OMIM 131950.
Epidermolysis bullosa simplex 5C, with pyloric atresia (EBS5C). Also called: PLEC-Related Epidermolysis Bullosa with Pyloric Atresia; PLEC1-Related Epidermolysis Bullosa with Pyloric Atresia; Epidermolysis bullosa simplex with pyloric atresia. Identifiers: Orphanet 158684, MedGen C2677349, MONDO:0012807, OMIM 612138.

Allele frequency attached by ClinVar (database versions not stated): ExAC 0.00013; gnomAD 0.00013 and 0.00014; gnomAD exomes 0.00013 and 0.00017; TOPMed 0.00016; ESP Exome Variant Server 0.00024.
gnomAD v4.1: 264 of 1,612,234 alleles (0.016%); highest among the groups gnomAD compares: East Asian, 0.056%; no homozygotes.

Submissions (4):

Labcorp Genetics (formerly Invitae), Labcorp
Classification: Uncertain significance for Autosomal recessive limb-girdle muscular dystrophy type 2Q; Epidermolysis bullosa simplex, Ogna type; Epidermolysis bullosa simplex with nail dystrophy; Epidermolysis bullosa simplex 5C, with pyloric atresia; Epidermolysis bullosa simplex 5B, with muscular dystrophy. Last evaluated: 2025-12-17. Review status: criteria provided, single submitter. Criteria: Invitae Variant Classification Sherloc (09022015). Collection method: clinical testing. Allele origin: germline.
Comment: This sequence change replaces arginine, which is basic and polar, with cysteine, which is neutral and slightly polar, at codon 3673 of the PLEC protein (p.Arg3673Cys). This variant is present in population databases (rs202175941, gnomAD 0.04%). This variant has not been reported in the literature in individuals affected with PLEC-related conditions. ClinVar contains an entry for this variant (Variation ID: 430330). An algorithm developed to predict the effect of missense changes on protein structure and function (PolyPhen-2) suggests that this variant is likely to be disruptive. In summary, the available evidence is currently insufficient to determine the role of this variant in disease. Therefore, it has been classified as a Variant of Uncertain Significance.

GeneDx
Classification: Uncertain significance. Last evaluated: 2024-06-06. Review status: criteria provided, single submitter. Criteria: GeneDx Variant Classification Process June 2021. Collection method: clinical testing. Allele origin: germline. Affected: yes.
Comment: Has not been previously published as pathogenic or benign in association with a PLEC-related disorder to our knowledge; In silico analysis supports that this missense variant has a deleterious effect on protein structure/function; Missense variant in a gene in which most reported pathogenic variants are truncating/loss of function; This variant is associated with the following publications: (PMID: 30161220)

Revvity Omics, Revvity
Classification: Uncertain significance. Last evaluated: 2021-12-28. Review status: criteria provided, single submitter. Criteria: ACMG Guidelines, 2015. Collection method: clinical testing. Allele origin: germline.

Ambry Genetics
Classification: Uncertain significance for Inborn genetic diseases. Last evaluated: 2021-09-27. Review status: criteria provided, single submitter. Criteria: Ambry Variant Classification Scheme 2023. Collection method: clinical testing. Allele origin: germline.

NM_201384.3(PLEC):c.10936C>T (p.Arg3646Cys)

Gene: PLEC (plectin; minus strand). Cytogenetic location: 8q24.3.
Variant type: single nucleotide variant.
Coding change: c.10936C>T on transcript NM_201384.3 (MANE Select); coding-DNA position 10936, C replaced by T.
Protein change: p.Arg3646Cys; replaces arginine 3646 with cysteine.
Molecular consequence: missense variant.
Genome position (GRCh38, 1-based): chr8:143,918,885, G>A on the plus strand (C>T on the coding strand, the complement: PLEC is on the minus strand). VCF-style: chr8-143918885-G-A. GRCh37 (hg19) VCF-style: chr8-144993053-G-A.
Other names: c.11017C>T, p.Arg3673Cys (NM_000445.5); c.10894C>T, p.Arg3632Cys (NM_201378.4); c.10870C>T, p.Arg3624Cys (NM_201379.3); c.11347C>T, p.Arg3783Cys (NM_201380.4); c.10840C>T, p.Arg3614Cys (NM_201381.3); c.10936C>T, p.Arg3646Cys (NM_201382.4); c.10948C>T, p.Arg3650Cys (NM_201383.3); short protein forms R3614C, R3624C, R3632C, R3646C, R3650C, R3673C, R3783C.
Identifiers: ClinVar variation 430330 (VCV000430330.15), dbSNP rs202175941, ClinGen allele CA4924489.